The following is an entry in ClinVar:

NM_005120.3(MED12):c.6186GCA[7] (p.Gln2076_Tyr2077insGlnGln)

Gene: MED12 (mediator complex subunit 12; plus strand). Cytogenetic location: Xq13.1.
Variant type: Microsatellite.
Coding change: c.6186GCA[7] on transcript NM_005120.3 (MANE Select); seven copies in a row of the 3-base unit GCA starting at c.6186; the reference has five copies in a row; two copies, 6 bases duplicated.
Protein change: p.Gln2076_Tyr2077insGlnGln.
Genome position (GRCh38, 1-based): chrX:71,140,785-71,140,790, GCAGCA duplicated; duplicating any 6 consecutive bases within chrX:71,140,774-71,140,790 gives the same sequence; the position shown is the placement nearest the transcript's 3' end. VCF-style (leftmost placement, unchanged base first): chrX-71140773-A-ACAGCAG. GRCh37 (hg19) VCF-style: chrX-70360623-A-ACAGCAG.
Identifiers: ClinVar variation 3730338 (VCV003730338.2).

ClinVar aggregate classification (germline): Uncertain significance (1 of 4 stars; one submission).

Conditions:
FG syndrome (FGS). Identifiers: MedGen C0220769, MONDO:0002010.

Submission:

Labcorp Genetics (formerly Invitae), Labcorp
Classification: Uncertain significance for FG syndrome. Last evaluated: 2024-02-01. Review status: criteria provided, single submitter. Criteria: Invitae Variant Classification Sherloc (09022015). Collection method: clinical testing. Allele origin: germline.
Comment: This variant, c.6195_6200dup, results in the insertion of 2 amino acid(s) of the MED12 protein (p.Gln2075_Gln2076dup), but otherwise preserves the integrity of the reading frame. This variant is not present in population databases (gnomAD no frequency). This variant has not been reported in the literature in individuals affected with MED12-related conditions. In summary, the available evidence is currently insufficient to determine the role of this variant in disease. Therefore, it has been classified as a Variant of Uncertain Significance.